The following is an entry in ClinVar:

NM_004385.5(VCAN):c.4876C>T (p.Gln1626Ter)

Genes: VCAN (versican; plus strand), VCAN-AS1 (VCAN antisense RNA 1; minus strand). Cytogenetic location: 5q14.3.
Variant type: single nucleotide variant.
Coding change: c.4876C>T on transcript NM_004385.5 (MANE Select); coding-DNA position 4876, C replaced by T.
Protein change: p.Gln1626Ter; replaces glutamine 1626 with a stop codon.
Molecular consequence: nonsense. On other transcripts: intron variant (2).
Genome position (GRCh38, 1-based): chr5:83,537,879, C>T. VCF-style: chr5-83537879-C-T. GRCh37 (hg19) VCF-style: chr5-82833698-C-T.
Other names: c.1915C>T, p.Gln639Ter (NM_001164097.2); c.4004-7658C>T (NM_001164098.2); c.1043-7658C>T (NM_001126336.3); short protein forms Q639*, Q1626*.
Identifiers: ClinVar variation 3643781 (VCV003643781.2).

ClinVar aggregate classification (germline): Pathogenic (1 of 4 stars; one submission).

Submission:

Labcorp Genetics (formerly Invitae), Labcorp
Classification: Pathogenic. Last evaluated: 2024-03-01. Review status: criteria provided, single submitter. Criteria: Invitae Variant Classification Sherloc (09022015). Collection method: clinical testing. Allele origin: germline.
Comment: This sequence change creates a premature translational stop signal (p.Gln1626*) in the VCAN gene. It is expected to result in an absent or disrupted protein product. Loss-of-function variants in VCAN are known to be pathogenic (PMID: 26720455). This variant is not present in population databases (gnomAD no frequency). This variant has not been reported in the literature in individuals affected with VCAN-related conditions. For these reasons, this variant has been classified as Pathogenic.

Literature cited by the submitters: PubMed 26720455.